The following is an entry in ClinVar:

ClinVar aggregate classification (germline): Likely pathogenic (1 of 4 stars; one submission).

Conditions:
Nonsyndromic genetic hearing loss. Also called: Nonsyndromic hearing loss and deafness; Non-syndromic genetic deafness; Nonsyndromic genetic deafness. Identifiers: Orphanet 87884, MedGen C5680182, MONDO:0019497.

Submission:

Laboratory for Molecular Medicine, Mass General Brigham Personalized Medicine
Classification: Likely pathogenic for Nonsyndromic genetic hearing loss. Last evaluated: 2023-02-02. Review status: criteria provided, single submitter. Criteria: ACMG Guidelines, 2015. Collection method: clinical testing. Allele origin: germline.
Comment: The p.Asn126ThrfsX6 variant in ILDR1 has not been previously reported in individuals with nonsyndromic hearing loss and was absent from large population databases. This variant is predicted to cause a frameshift, which alters the protein’s amino acid sequence beginning at position 126 and leads to a premature termination codon 6 amino acids downstream. This alteration is then predicted to lead to a truncated or absent protein. Loss of function of the ILDR1 gene is an established disease mechanism in autosomal recessive nonsyndromic hearing loss. In summary, although additional studies are required to fully establish its clinical significance, this variant meets criteria to be classified as likely pathogenic for autosomal recessive nonsyndromic hearing loss. ACMG/AMP Criteria applied: PVS1, PM2_Supporting.

NM_001199799.2(ILDR1):c.377del (p.Asn126fs)

Gene: ILDR1 (immunoglobulin like domain containing receptor 1; minus strand). Cytogenetic location: 3q13.33.
Variant type: Deletion.
Coding change: c.377del on transcript NM_001199799.2 (MANE Select); coding-DNA position 377, one base deleted (A; older notation c.377delA).
Protein change: p.Asn126fs; shifts the reading frame from asparagine 126.
Molecular consequence: frameshift variant.
Genome position (GRCh38, 1-based): chr3:122,005,246, T deleted on the plus strand (A on the coding strand, the reverse complement: ILDR1 is on the minus strand); the first of 2 consecutive T bases (chr3:122,005,246-122,005,247); deleting either gives the same sequence. VCF-style (leftmost placement, unchanged base first): chr3-122005245-GT-G. GRCh37 (hg19) VCF-style: chr3-121724092-GT-G.
Other names: c.377del, p.Asn126fs (NM_001199800.2, NM_175924.4); short protein forms N126fs.
Identifiers: ClinVar variation 3075920 (VCV003075920.1), dbSNP rs2472827678, ClinGen allele CA2825001187.